The following is an entry in ClinVar:

NM_052947.4(ALPK2):c.2131A>C (p.Lys711Gln)

Gene: ALPK2 (alpha kinase 2; minus strand). Cytogenetic location: 18q21.31.
Variant type: single nucleotide variant.
Coding change: c.2131A>C on transcript NM_052947.4 (MANE Select); coding-DNA position 2131, A replaced by C.
Protein change: p.Lys711Gln; replaces lysine 711 with glutamine.
Molecular consequence: missense variant.
Genome position (GRCh38, 1-based): chr18:58,538,056, T>G on the plus strand (A>C on the coding strand, the complement: ALPK2 is on the minus strand). VCF-style: chr18-58538056-T-G. GRCh37 (hg19) VCF-style: chr18-56205288-T-G.
Other names: short protein forms K711Q.
Identifiers: ClinVar variation 1786406 (VCV001786406.3), dbSNP rs2518878075, ClinGen allele CA402571541.

ClinVar aggregate classification (germline): Uncertain significance (1 of 4 stars; one submission).

Submission:

Ambry Genetics
Classification: Uncertain significance. Last evaluated: 2024-09-30. Review status: criteria provided, single submitter. Criteria: Ambry Variant Classification Scheme 2023. Collection method: clinical testing. Allele origin: germline.
Comment: The p.K711Q variant (also known as c.2131A>C), located in coding exon 4 of the ALPK2 gene, results from an A to C substitution at nucleotide position 2131. The lysine at codon 711 is replaced by glutamine, an amino acid with similar properties. This amino acid position is conserved. In addition, this alteration is predicted to be tolerated by in silico analysis. Since supporting evidence is limited at this time, the clinical significance of this alteration remains unclear.